The following is an entry in ClinVar:

ClinVar aggregate classification (germline): Uncertain significance. Review status: criteria provided, multiple submitters, no conflicts (2 of 4 stars). 2 submissions from 2 submitters: Uncertain significance (2). Last evaluated 2023-05-25.

Conditions:
Familial hypocalciuric hypercalcemia (FHH). Also called: Familial benign hypercalcemia. Identifiers: Orphanet 405, MedGen C1809471, MONDO:0018458.
Autosomal dominant hypocalcemia 1 (HYPOC1). Also called: HYPOCALCEMIA, FAMILIAL. Identifiers: MedGen C3715128, MONDO:0011013, OMIM 601198.

Submissions (2):

Labcorp Genetics (formerly Invitae), Labcorp
Classification: Uncertain significance for Familial hypocalciuric hypercalcemia; Autosomal dominant hypocalcemia 1. Last evaluated: 2023-05-25. Review status: criteria provided, single submitter. Criteria: Invitae Variant Classification Sherloc (09022015). Collection method: clinical testing. Allele origin: germline.
Comment: In summary, the available evidence is currently insufficient to determine the role of this variant in disease. Therefore, it has been classified as a Variant of Uncertain Significance. ClinVar contains an entry for this variant (Variation ID: 431805). An algorithm developed to predict the effect of missense changes on protein structure and function (PolyPhen-2) suggests that this variant is likely to be disruptive. This variant has not been reported in the literature in individuals affected with CASR-related conditions. This variant is not present in population databases (gnomAD no frequency). This sequence change replaces phenylalanine, which is neutral and non-polar, with serine, which is neutral and polar, at codon 563 of the CASR protein (p.Phe563Ser).

GeneDx
Classification: Uncertain significance. Last evaluated: 2017-02-01. Review status: criteria provided, single submitter. Criteria: GeneDx Variant Classification (06012015). Collection method: clinical testing. Allele origin: germline. Affected: yes.
Comment: The F563S variant has not been published as a pathogenic variant, nor has it been reported as a benign variant to our knowledge. This variant is not observed in large population cohorts (Lek et al., 2016; Exome Variant Server). F563S is a non-conservative amino acid substitution, which is likely to impact secondary protein structure as these residues differ in polarity, charge, size and/or other properties. This substitution occurs at a position that is conserved across species and in silico analysis predicts this variant is probably damaging to the protein structure/function. Missense variants in nearby residues (C562Y, C565G, C568Y) have been reported in the Human Gene Mutation Database in association with CASR-related disorders (Stenson et al., 2014), supporting the functional importance of this region of the protein. Based on the currently available information, it is unclear whether this variant is pathogenic or a rare benign variant. We consider it to be a variant of uncertain significance.

NM_000388.4(CASR):c.1688T>C (p.Phe563Ser)

Gene: CASR (calcium sensing receptor; plus strand). Cytogenetic location: 3q21.1.
Variant type: single nucleotide variant.
Coding change: c.1688T>C on transcript NM_000388.4 (MANE Select); coding-DNA position 1688, T replaced by C.
Protein change: p.Phe563Ser; replaces phenylalanine 563 with serine.
Molecular consequence: missense variant.
Genome position (GRCh38, 1-based): chr3:122,282,192, T>C. VCF-style: chr3-122282192-T-C. GRCh37 (hg19) VCF-style: chr3-122001039-T-C.
Other names: c.1718T>C, p.Phe573Ser (NM_001178065.2); short protein forms F563S, F573S.
Identifiers: ClinVar variation 431805 (VCV000431805.10), dbSNP rs1553768731, ClinGen allele CA354156276.